The following is an entry in ClinVar:

ClinVar aggregate classification (germline): Conflicting classifications of pathogenicity. Review status: criteria provided, conflicting classifications (1 of 4 stars). 3 submissions from 3 submitters: Likely pathogenic (1); Uncertain significance (2). Last evaluated 2025-12-22.

Conditions:
Hereditary nonpolyposis colorectal neoplasms. Identifiers: MedGen C0009405, MeSH D003123.
Hereditary cancer-predisposing syndrome. Also called: Hereditary Cancer Syndrome; Neoplastic Syndromes, Hereditary; Hereditary neoplastic syndrome; Tumor predisposition. Identifiers: Orphanet 140162, MedGen C0027672, MeSH D009386, MONDO:0015356.

Submissions (3):

Women's Health and Genetics/Laboratory Corporation of America, LabCorp
Classification: Uncertain significance. Last evaluated: 2025-12-22. Review status: criteria provided, single submitter. Criteria: LabCorp Variant Classification Summary - May 2015. Collection method: clinical testing. Allele origin: germline.
Comment: Variant summary: MSH6 c.3646G>A (p.Gly1216Arg) results in a non-conservative amino acid change in the encoded protein sequence. Algorithms developed to predict the effect of missense changes on protein structure and function all suggest that this variant is likely to be disruptive. Several computational tools predict a significant impact on normal splicing: Three predict the variant weakens a 5' donor site. One predict the variant abolishes a 5' splicing donor site. However, these predictions have yet to be confirmed by functional studies. The variant was absent in 251348 control chromosomes. The available data on variant occurrences in the general population are insufficient to allow any conclusion about variant significance. To our knowledge, no occurrence of c.3646G>A in individuals affected with MSH6-related conditions and no experimental evidence demonstrating its impact on protein function have been reported. ClinVar contains an entry for this variant (Variation ID: 428287). Based on the evidence outlined above, the variant was classified as uncertain significance.

Ambry Genetics
Classification: Likely pathogenic for Hereditary cancer-predisposing syndrome. Last evaluated: 2025-06-20. Review status: criteria provided, single submitter. Criteria: Ambry Variant Classification Scheme 2023. Collection method: clinical testing. Allele origin: germline.
Comment: The p.G1216R variant (also known as c.3646G>A), located in coding exon 7 of the MSH6 gene, results from a G to A substitution at nucleotide position 3646. The amino acid change results in glycine to arginine at codon 1216, an amino acid with dissimilar properties. However, this change occurs in the last base pair of coding exon 7 and may have some effect on normal mRNA splicing. Based on internal structural analysis, this variant is anticipated to result in a significant decrease in structural stability (Warren JJ et al. Mol. Cell. 2007 May;26:579-92; Ambry internal data). This variant co-segregated with Lynch-associated cancers in multiple families (Ambry internal data). This nucleotide position is highly conserved in available vertebrate species. In silico splice site analysis predicts that this alteration will not have any significant effect on splicing. RNA studies have demonstrated that this alteration results in an incomplete splice defect; the clinical impact of this abnormal splicing is unknown at this time (Ambry internal data). This amino acid position is highly conserved in available vertebrate species. In addition, as a missense substitution this is predicted to be deleterious by in silico analysis. Based on the majority of available evidence to date, this variant is likely to be pathogenic.

Labcorp Genetics (formerly Invitae), Labcorp
Classification: Uncertain significance for Hereditary nonpolyposis colorectal neoplasms. Last evaluated: 2024-05-06. Review status: criteria provided, single submitter. Criteria: Invitae Variant Classification Sherloc (09022015). Collection method: clinical testing. Allele origin: germline.
Comment: This sequence change replaces glycine, which is neutral and non-polar, with arginine, which is basic and polar, at codon 1216 of the MSH6 protein (p.Gly1216Arg). This variant also falls at the last nucleotide of exon 7, which is part of the consensus splice site for this exon. This variant is not present in population databases (gnomAD no frequency). This variant has not been reported in the literature in individuals affected with MSH6-related conditions. ClinVar contains an entry for this variant (Variation ID: 428287). An algorithm developed to predict the effect of missense changes on protein structure and function (PolyPhen-2) suggests that this variant is likely to be disruptive. Variants that disrupt the consensus splice site are a relatively common cause of aberrant splicing (PMID: 17576681, 9536098). Algorithms developed to predict the effect of sequence changes on RNA splicing suggest that this variant may disrupt the consensus splice site. In summary, the available evidence is currently insufficient to determine the role of this variant in disease. Therefore, it has been classified as a Variant of Uncertain Significance.

Literature cited by the submitters: PubMed 17531815 (cited by Ambry Genetics); PubMed 17576681 (cited by Labcorp Genetics (formerly Invitae), Labcorp); PubMed 9536098 (cited by Labcorp Genetics (formerly Invitae), Labcorp).

NM_000179.3(MSH6):c.3646G>A (p.Gly1216Arg)

Gene: MSH6 (mutS homolog 6; plus strand). Cytogenetic location: 2p16.3.
Variant type: single nucleotide variant.
Coding change: c.3646G>A on transcript NM_000179.3 (MANE Select); coding-DNA position 3646, G replaced by A.
Protein change: p.Gly1216Arg; replaces glycine 1216 with arginine.
Molecular consequence: missense variant.
Genome position (GRCh38, 1-based): chr2:47,805,707, G>A. VCF-style: chr2-47805707-G-A. GRCh37 (hg19) VCF-style: chr2-48032846-G-A.
Other names: c.3256G>A, p.Gly1086Arg (NM_001281492.2); c.2740G>A, p.Gly914Arg (NM_001281493.2, NM_001281494.2); short protein forms G1216R, G1086R, G914R.
Identifiers: ClinVar variation 428287 (VCV000428287.13), dbSNP rs1114167690, ClinGen allele CA346760635.